The following is an entry in ClinVar:

NM_001394062.1(MACF1):c.11588C>T (p.Ala3863Val)

Gene: MACF1 (microtubule actin crosslinking factor 1; plus strand). Cytogenetic location: 1p34.3.
Variant type: single nucleotide variant.
Coding change: c.11588C>T on transcript NM_001394062.1 (MANE Select); coding-DNA position 11588, C replaced by T.
Protein change: p.Ala3863Val; replaces alanine 3863 with valine.
Molecular consequence: missense variant.
Genome position (GRCh38, 1-based): chr1:39,357,538, C>T. VCF-style: chr1-39357538-C-T. GRCh37 (hg19) VCF-style: chr1-39823210-C-T.
Other names: c.5402C>T, p.Ala1801Val (NM_012090.5); short protein forms A1801V, A3863V.
Identifiers: ClinVar variation 3384549 (VCV003384549.1).

ClinVar aggregate classification (germline): Uncertain significance (1 of 4 stars; one submission).

gnomAD v4.1: 1 of 1,614,084 alleles (0.000062%); highest among the groups gnomAD compares: Non-Finnish European, 0.000085%; no homozygotes.

Submission:

GeneDx
Classification: Uncertain significance. Last evaluated: 2024-06-07. Review status: criteria provided, single submitter. Criteria: GeneDx Variant Classification Process June 2021. Collection method: clinical testing. Allele origin: germline. Affected: yes.
Comment: Not observed at significant frequency in large population cohorts (gnomAD); In silico analysis supports that this missense variant has a deleterious effect on protein structure/function; Has not been previously published as pathogenic or benign to our knowledge